The following is an entry in ClinVar:

NM_020831.6(MRTFA):c.2239C>T (p.Pro747Ser)

Gene: MRTFA (myocardin related transcription factor A; minus strand). Cytogenetic location: 22q13.1.
Variant type: single nucleotide variant.
Coding change: c.2239C>T on transcript NM_020831.6 (MANE Select); coding-DNA position 2239, C replaced by T.
Protein change: p.Pro747Ser; replaces proline 747 with serine.
Molecular consequence: missense variant.
Genome position (GRCh38, 1-based): chr22:40,418,499, G>A on the plus strand (C>T on the coding strand, the complement: MRTFA is on the minus strand). VCF-style: chr22-40418499-G-A. GRCh37 (hg19) VCF-style: chr22-40814503-G-A.
Other names: c.1939C>T, p.Pro647Ser (NM_001282660.2); c.2089C>T, p.Pro697Ser (NM_001282661.3); c.2239C>T, p.Pro747Ser (NM_001282662.3); c.2044C>T, p.Pro682Ser (NM_001318139.2); c.1939C>T (NM_020831.3); short protein forms P647S, P697S, P747S, P682S.
Identifiers: ClinVar variation 1965201 (VCV001965201.6), dbSNP rs762531612, ClinGen allele CA10249410.
Genomic context (GRCh38, chr22:40,418,499, plus strand): 5'-GGTGGGTCCCTGTGGAGTCGGTGATGAGGGTGGGAGGTGCAACCCCCTTGATGAGGCTGG[G>A]GCCCTGAGGCCCCAGAAGCAACTGGGGGGCGGGGACCGGCTCGGGCTCAGGCTGCAAGGC-3'
Protein context (NP_065882.2, residues 737-757): APQLLLGPQG[Pro747Ser]SLIKGVAPPT

ClinVar aggregate classification (germline): Uncertain significance. Review status: criteria provided, multiple submitters, no conflicts (2 of 4 stars). 2 submissions from 2 submitters: Uncertain significance (2). Last evaluated 2022-10-12.

Allele frequency attached by ClinVar (database versions not stated): ExAC 0.00001; gnomAD exomes 0.00001.

Submissions (2):

Ambry Genetics
Classification: Uncertain significance. Last evaluated: 2022-10-12. Review status: criteria provided, single submitter. Criteria: Ambry Variant Classification Scheme 2023. Collection method: clinical testing. Allele origin: germline.

Labcorp Genetics (formerly Invitae), Labcorp
Classification: Uncertain significance. Last evaluated: 2022-04-18. Review status: criteria provided, single submitter. Criteria: Invitae Variant Classification Sherloc (09022015). Collection method: clinical testing. Allele origin: germline.
Comment: In summary, the available evidence is currently insufficient to determine the role of this variant in disease. Therefore, it has been classified as a Variant of Uncertain Significance. Algorithms developed to predict the effect of missense changes on protein structure and function output the following: SIFT: "Tolerated"; PolyPhen-2: "Benign"; Align-GVGD: "Class C0". The serine amino acid residue is found in multiple mammalian species, which suggests that this missense change does not adversely affect protein function. This variant has not been reported in the literature in individuals affected with MKL1-related conditions. This variant is present in population databases (rs762531612, gnomAD 0.007%). This sequence change replaces proline, which is neutral and non-polar, with serine, which is neutral and polar, at codon 647 of the MKL1 protein (p.Pro647Ser).